The following is an entry in ClinVar:

ClinVar aggregate classification (germline): Uncertain significance (1 of 4 stars; one submission).

Conditions:
Developmental and epileptic encephalopathy, 1 (DEE1). Also called: INFANTILE SPASM SYNDROME, X-LINKED 1; X-linked infantile spasms; West's syndrome; Tonic spasms with clustering, arrest of psychomotor development and hypsarrhythmia on EEG; X-Linked Infantile Spasm Syndrome; OHTAHARA SYNDROME, X-LINKED. Identifiers: MedGen C3463992, MONDO:0010632, OMIM 308350. Disease mechanism: loss of function.
Autosomal recessive spinocerebellar ataxia 12. Also called: SPINOCEREBELLAR ATAXIA WITH MENTAL RETARDATION AND EPILEPSY. Identifiers: Orphanet 284282, MedGen C3280452, MONDO:0013687, OMIM 614322.

Submission:

Labcorp Genetics (formerly Invitae), Labcorp
Classification: Uncertain significance for Developmental and epileptic encephalopathy, 1; Autosomal recessive spinocerebellar ataxia 12. Last evaluated: 2024-10-29. Review status: criteria provided, single submitter. Criteria: Invitae Variant Classification Sherloc (09022015). Collection method: clinical testing. Allele origin: germline.
Comment: This sequence change replaces tryptophan, which is neutral and slightly polar, with arginine, which is basic and polar, at codon 335 of the WWOX protein (p.Trp335Arg). This variant is not present in population databases (gnomAD no frequency). This variant has not been reported in the literature in individuals affected with WWOX-related conditions. ClinVar contains an entry for this variant (Variation ID: 2062255). Invitae Evidence Modeling of protein sequence and biophysical properties (such as structural, functional, and spatial information, amino acid conservation, physicochemical variation, residue mobility, and thermodynamic stability) indicates that this missense variant is not expected to disrupt WWOX protein function with a negative predictive value of 80%. Algorithms developed to predict the effect of sequence changes on RNA splicing suggest that this variant may disrupt the consensus splice site. In summary, the available evidence is currently insufficient to determine the role of this variant in disease. Therefore, it has been classified as a Variant of Uncertain Significance.

NM_016373.4(WWOX):c.1003T>A (p.Trp335Arg)

Gene: WWOX (WW domain containing oxidoreductase; plus strand). Cytogenetic location: 16q23.1.
Variant type: single nucleotide variant.
Coding change: c.1003T>A on transcript NM_016373.4 (MANE Select); coding-DNA position 1003, T replaced by A.
Protein change: p.Trp335Arg; replaces tryptophan 335 with arginine.
Molecular consequence: missense variant.
Genome position (GRCh38, 1-based): chr16:78,432,699, T>A. VCF-style: chr16-78432699-T-A. GRCh37 (hg19) VCF-style: chr16-78466596-T-A.
Other names: c.664T>A, p.Trp222Arg (NM_001291997.2); short protein forms W335R, W222R.
Identifiers: ClinVar variation 2062255 (VCV002062255.4), dbSNP rs2507631784, ClinGen allele CA396843434.